The following is an entry in ClinVar:

ClinVar aggregate classification (germline): Uncertain significance (1 of 4 stars; one submission).

gnomAD v4.1: 1 of 1,614,232 alleles (0.000062%); no homozygotes.

Submission:

Labcorp Genetics (formerly Invitae), Labcorp
Classification: Uncertain significance. Last evaluated: 2022-09-20. Review status: criteria provided, single submitter. Criteria: Invitae Variant Classification Sherloc (09022015). Collection method: clinical testing. Allele origin: germline.
Comment: In summary, the available evidence is currently insufficient to determine the role of this variant in disease. Therefore, it has been classified as a Variant of Uncertain Significance. Algorithms developed to predict the effect of missense changes on protein structure and function (SIFT, PolyPhen-2, Align-GVGD) all suggest that this variant is likely to be tolerated. This variant has not been reported in the literature in individuals affected with GSN-related conditions. This variant is not present in population databases (gnomAD no frequency). This sequence change replaces proline, which is neutral and non-polar, with serine, which is neutral and polar, at codon 66 of the GSN protein (p.Pro66Ser).

NM_198252.3(GSN):c.43C>T (p.Pro15Ser)

Gene: GSN (gelsolin; plus strand). Cytogenetic location: 9q33.2.
Variant type: single nucleotide variant.
Coding change: c.43C>T on transcript NM_198252.3 (MANE Select); coding-DNA position 43, C replaced by T.
Protein change: p.Pro15Ser; replaces proline 15 with serine.
Molecular consequence: missense variant. On other transcripts: intron variant (1).
Genome position (GRCh38, 1-based): chr9:121,302,014, C>T. VCF-style: chr9-121302014-C-T. GRCh37 (hg19) VCF-style: chr9-124064292-C-T.
Other names: c.196C>T, p.Pro66Ser (NM_000177.5); c.43C>T, p.Pro15Ser (NM_001127662.2, NM_001127664.2, NM_001127665.2 and 10 more transcripts); c.151C>T, p.Pro51Ser (NM_001127663.2); c.76C>T, p.Pro26Ser (NM_001127666.2, NM_001127667.2, NM_001353063.2 and 13 more transcripts); c.94C>T, p.Pro32Ser (NM_001258029.2); c.67C>T, p.Pro23Ser (NM_001258030.2); c.115C>T, p.Pro39Ser (NM_001353076.2); c.-458-897C>T (NM_001353078.2); short protein forms P26S, P66S, P23S, P32S, P39S, P15S, P51S.
Identifiers: ClinVar variation 2031430 (VCV002031430.4), dbSNP rs2059925191, ClinGen allele CA374731105.